The following is an entry in ClinVar:

ClinVar aggregate classification (germline): Uncertain significance (1 of 4 stars; one submission).

Conditions:
Congenital hyperammonemia, type I. Also called: Carbamoyl phosphate synthetase I deficiency disease; Carbamoyl phosphate synthetase 1 deficiency; Hyperammonemia due to carbamoyl phosphate synthetase 1 deficiency; CPS 1 deficiency; Carbamyl phosphate synthetase (CPS) deficiency; Carbamoyl-phosphate synthase I deficiency. Identifiers: Orphanet 147, MedGen C4082171, MONDO:0009376, OMIM 237300.

gnomAD v4.1: 1 of 1,611,760 alleles (0.000062%); highest among the groups gnomAD compares: South Asian, 0.0011%; no homozygotes.

Submission:

Labcorp Genetics (formerly Invitae), Labcorp
Classification: Uncertain significance for Congenital hyperammonemia, type I. Last evaluated: 2021-08-31. Review status: criteria provided, single submitter. Criteria: Invitae Variant Classification Sherloc (09022015). Collection method: clinical testing. Allele origin: germline.
Comment: This sequence change replaces glycine with aspartic acid at codon 1365 of the CPS1 protein (p.Gly1365Asp). The glycine residue is highly conserved and there is a moderate physicochemical difference between glycine and aspartic acid. This variant is not present in population databases (ExAC no frequency). This missense change has been observed in individual(s) with CPS1-related conditions (Invitae). Algorithms developed to predict the effect of missense changes on protein structure and function are either unavailable or do not agree on the potential impact of this missense change (SIFT: "Deleterious"; PolyPhen-2: "Probably Damaging"; Align-GVGD: "Class C0"). In summary, the available evidence is currently insufficient to determine the role of this variant in disease. Therefore, it has been classified as a Variant of Uncertain Significance.

NM_001875.5(CPS1):c.4094G>A (p.Gly1365Asp)

Gene: CPS1 (carbamoyl-phosphate synthase 1; plus strand). Cytogenetic location: 2q34.
Variant type: single nucleotide variant.
Coding change: c.4094G>A on transcript NM_001875.5 (MANE Select); coding-DNA position 4094, G replaced by A.
Protein change: p.Gly1365Asp; replaces glycine 1365 with aspartic acid.
Molecular consequence: missense variant. On other transcripts: non-coding transcript variant (2).
Genome position (GRCh38, 1-based): chr2:210,668,277, G>A. VCF-style: chr2-210668277-G-A. GRCh37 (hg19) VCF-style: chr2-211533001-G-A.
Other names: c.4094G>A, p.Gly1365Asp (NM_001122633.3, NM_001369257.1); c.4127G>A, p.Gly1376Asp (NM_001369256.1); short protein forms G1376D, G1365D.
Identifiers: ClinVar variation 860053 (VCV000860053.7), dbSNP rs1701172255, ClinGen allele CA350440051.